The following is an entry in ClinVar:

ClinVar aggregate classification (germline): Uncertain significance (1 of 4 stars; one submission).

Submission:

Labcorp Genetics (formerly Invitae), Labcorp
Classification: Uncertain significance. Last evaluated: 2022-08-28. Review status: criteria provided, single submitter. Criteria: Invitae Variant Classification Sherloc (09022015). Collection method: clinical testing. Allele origin: germline.
Comment: In summary, the available evidence is currently insufficient to determine the role of this variant in disease. Therefore, it has been classified as a Variant of Uncertain Significance. Experimental studies and prediction algorithms are not available or were not evaluated, and the functional significance of this variant is currently unknown. This variant has not been reported in the literature in individuals affected with CHM-related conditions. This variant results in a copy number gain of the genomic region encompassing exon(s) 10-15 of the CHM gene. This region includes the termination codon of the gene. This copy number gain extends beyond the assayed region for this gene and therefore may encompass additional genes. As the precise location of this event is unknown, it may be in tandem or it may be located elsewhere in the genome.

NC_000023.10:g.(?_85119635)_(85156213_?)dup

Gene: CHM (CHM Rab escort protein; minus strand). Cytogenetic location: Xq21.2.
Variant type: Duplication.
Identifiers: ClinVar variation 2423017 (VCV002423017.4).